The following is an entry in ClinVar:

NM_002890.3(RASA1):c.1698+3A>G

Genes: CCNH (cyclin H; minus strand), RASA1 (RAS p21 protein activator 1; plus strand). Cytogenetic location: 5q14.3.
Variant type: single nucleotide variant.
Coding change: c.1698+3A>G on transcript NM_002890.3 (MANE Select); 3 bases into the intron after coding-DNA position 1698, A replaced by G.
Molecular consequence: intron variant.
Genome position (GRCh38, 1-based): chr5:87,369,903, A>G. VCF-style: chr5-87369903-A-G. GRCh37 (hg19) VCF-style: chr5-86665720-A-G.
Other names: c.1167+3A>G (NM_022650.3); c.933+25141T>C (NM_001364075.2).
Identifiers: ClinVar variation 1920421 (VCV001920421.4), dbSNP rs2531324524, ClinGen allele CA2578354941.
Genomic context (GRCh38, chr5:87,369,903, plus strand): 5'-CTTTAGTGAAGAACATTACATCTTTTACTTTGCAGGAGAAACTCCAGAACAAGCAGAGGT[A>G]AGATTACTGTTTCTCAAACTACAGTATACTTTTATGTTAGCCCATGTTTTCTTATTAACT-3'

ClinVar aggregate classification (germline): Uncertain significance (1 of 4 stars; one submission).

Conditions:
Capillary malformation-arteriovenous malformation syndrome. Also called: Capillary malformation-arteriovenous malformation. Identifiers: Orphanet 137667, MedGen C1842180, MONDO:0012016.

Submission:

Labcorp Genetics (formerly Invitae), Labcorp
Classification: Uncertain significance for Capillary malformation-arteriovenous malformation syndrome. Last evaluated: 2022-08-18. Review status: criteria provided, single submitter. Criteria: Invitae Variant Classification Sherloc (09022015). Collection method: clinical testing. Allele origin: germline.
Comment: This variant is not present in population databases (gnomAD no frequency). This sequence change falls in intron 12 of the RASA1 gene. It does not directly change the encoded amino acid sequence of the RASA1 protein. It affects a nucleotide within the consensus splice site. In summary, the available evidence is currently insufficient to determine the role of this variant in disease. Therefore, it has been classified as a Variant of Uncertain Significance. Variants that disrupt the consensus splice site are a relatively common cause of aberrant splicing (PMID: 17576681, 9536098). Algorithms developed to predict the effect of sequence changes on RNA splicing suggest that this variant is not likely to affect RNA splicing. This variant has not been reported in the literature in individuals affected with RASA1-related conditions.

Literature cited by the submitters: PubMed 17576681; PubMed 9536098.